The following is an entry in ClinVar:

ClinVar aggregate classification (germline): Uncertain significance (1 of 4 stars; one submission).

Submission:

GeneDx
Classification: Uncertain significance. Last evaluated: 2022-12-19. Review status: criteria provided, single submitter. Criteria: GeneDx Variant Classification Process June 2021. Collection method: clinical testing. Allele origin: germline. Affected: yes.
Comment: Not observed at significant frequency in large population cohorts (gnomAD); In silico analysis supports that this missense variant does not alter protein structure/function; Has not been previously published as pathogenic or benign to our knowledge

NM_001349253.2(SCN11A):c.1981C>T (p.Leu661Phe)

Gene: SCN11A (sodium voltage-gated channel alpha subunit 11; minus strand). Cytogenetic location: 3p22.2.
Variant type: single nucleotide variant.
Coding change: c.1981C>T on transcript NM_001349253.2 (MANE Select); coding-DNA position 1981, C replaced by T.
Protein change: p.Leu661Phe; replaces leucine 661 with phenylalanine.
Molecular consequence: missense variant.
Genome position (GRCh38, 1-based): chr3:38,899,935, G>A on the plus strand (C>T on the coding strand, the complement: SCN11A is on the minus strand). VCF-style: chr3-38899935-G-A. GRCh37 (hg19) VCF-style: chr3-38941426-G-A.
Other names: c.1981C>T, p.Leu661Phe (NM_014139.3); short protein forms L661F.
Identifiers: ClinVar variation 2505810 (VCV002505810.1), dbSNP rs2470573609, ClinGen allele CA352161248.